The following is an entry in ClinVar:

ClinVar aggregate classification (germline): Uncertain significance (1 of 4 stars; one submission).

Conditions:
Aicardi-Goutieres syndrome 5. Identifiers: Orphanet 51, MedGen C2749659, MONDO:0013059, OMIM 612952.

Allele frequency attached by ClinVar (database versions not stated): gnomAD exomes below 0.00001.
gnomAD v4.1: 4 of 1,614,142 alleles (0.00025%); highest among the groups gnomAD compares: East Asian, 0.0045%; no homozygotes.

Submission:

Labcorp Genetics (formerly Invitae), Labcorp
Classification: Uncertain significance for Aicardi-Goutieres syndrome 5. Last evaluated: 2025-09-27. Review status: criteria provided, single submitter. Criteria: Invitae Variant Classification Sherloc (09022015). Collection method: clinical testing. Allele origin: germline.
Comment: This sequence change replaces proline, which is neutral and non-polar, with arginine, which is basic and polar, at codon 19 of the SAMHD1 protein (p.Pro19Arg). This variant is present in population databases (no rsID available, gnomAD 0.006%). This variant has not been reported in the literature in individuals affected with SAMHD1-related conditions. ClinVar contains an entry for this variant (Variation ID: 1498052). Invitae Evidence Modeling of protein sequence and biophysical properties (such as structural, functional, and spatial information, amino acid conservation, physicochemical variation, residue mobility, and thermodynamic stability) has been performed for this missense variant. However, the output from this modeling did not meet the statistical confidence thresholds required to predict the impact of this variant on SAMHD1 protein function. In summary, the available evidence is currently insufficient to determine the role of this variant in disease. Therefore, it has been classified as a Variant of Uncertain Significance.

NM_015474.4(SAMHD1):c.56C>G (p.Pro19Arg)

Gene: SAMHD1 (SAM and HD domain containing deoxynucleoside triphosphate triphosphohydrolase 1; minus strand). Cytogenetic location: 20q11.23.
Variant type: single nucleotide variant.
Coding change: c.56C>G on transcript NM_015474.4 (MANE Select); coding-DNA position 56, C replaced by G.
Protein change: p.Pro19Arg; replaces proline 19 with arginine.
Molecular consequence: missense variant.
Genome position (GRCh38, 1-based): chr20:36,951,588, G>C on the plus strand (C>G on the coding strand, the complement: SAMHD1 is on the minus strand). VCF-style: chr20-36951588-G-C. GRCh37 (hg19) VCF-style: chr20-35579991-G-C.
Other names: c.56C>G, p.Pro19Arg (NM_001363729.2, NM_001363733.2); short protein forms P19R.
Identifiers: ClinVar variation 1498052 (VCV001498052.6), dbSNP rs1308458054, ClinGen allele CA408833622.
Genomic context (GRCh38, chr20:36,951,588, plus strand): 5'-TGGAGTTCCAGGCCCGGGGACCAGTCTGCCTCTGCGGAAGGGGTGTTTGAGGGGGTTCTC[G>C]GGCTGTCATCGCAACGGGGACGCTTGGAGGGCTGCTCGGAATCGGCTCGCTGCATGGCTA-3'
Protein context (NP_056289.2, residues 9-29): PSKRPRCDDS[Pro19Arg]RTPSNTPSAE